The following is an entry in ClinVar:

ClinVar aggregate classification (germline): Benign/Likely benign. Review status: criteria provided, multiple submitters, no conflicts (2 of 4 stars). 5 submissions from 5 submitters: Benign (1); Likely benign (4). Last evaluated 2025-10-27.

Conditions:
BAP1-related tumor predisposition syndrome (TPDS1). Also called: Tumor susceptibility linked to germline BAP1 mutations; BAP1 tumor predisposition syndrome; COMMON Syndrome; TUMOR PREDISPOSITION SYNDROME 1. Identifiers: Orphanet 289539, MedGen C3280492, MONDO:0013692, OMIM 614327.
Hereditary cancer-predisposing syndrome. Also called: Hereditary Cancer Syndrome; Tumor predisposition; Neoplastic Syndromes, Hereditary; Hereditary neoplastic syndrome. Identifiers: Orphanet 140162, MedGen C0027672, MeSH D009386, MONDO:0015356.

Allele frequency attached by ClinVar (database versions not stated): gnomAD exomes 0.00001; gnomAD 0.00005 and 0.00006; TOPMed 0.00005.
gnomAD v4.1: 12 of 1,614,058 alleles (0.00074%); highest among the groups gnomAD compares: Admixed American, 0.018%; no homozygotes.

Submissions (5):

Labcorp Genetics (formerly Invitae), Labcorp
Classification: Likely benign for BAP1-related tumor predisposition syndrome. Last evaluated: 2025-10-27. Review status: criteria provided, single submitter. Criteria: Invitae Variant Classification Sherloc (09022015). Collection method: clinical testing. Allele origin: germline.

Myriad Genetics, Inc.
Classification: Benign for BAP1-related tumor predisposition syndrome. Last evaluated: 2024-07-15. Review status: criteria provided, single submitter. Criteria: Myriad Autosomal Dominant, Autosomal Recessive and X-Linked Classification Criteria (2023). Collection method: clinical testing. Allele origin: unknown.
Comment: This variant is considered benign. This variant is a silent/synonymous amino acid change and it is not expected to impact splicing.

CeGaT Center for Human Genetics Tuebingen
Classification: Likely benign. Last evaluated: 2023-10-01. Review status: criteria provided, single submitter. Criteria: CeGaT Center For Human Genetics Tuebingen Variant Classification Criteria Version 2. Collection method: clinical testing. Allele origin: germline. Affected: yes. Observed: 1 variant allele.
Comment: BAP1: BP4, BP7

Color Diagnostics, LLC DBA Color Health
Classification: Likely benign for Hereditary cancer-predisposing syndrome. Last evaluated: 2021-10-11. Review status: criteria provided, single submitter. Criteria: ACMG Guidelines, 2015. Collection method: clinical testing. Allele origin: germline.

Ambry Genetics
Classification: Likely benign for Hereditary cancer-predisposing syndrome. Last evaluated: 2019-11-19. Review status: criteria provided, single submitter. Criteria: Ambry Variant Classification Scheme 2023. Collection method: clinical testing. Allele origin: germline.

NM_004656.4(BAP1):c.765A>G (p.Val255=)

Gene: BAP1 (BRCA1 associated deubiquitinase 1; minus strand). Cytogenetic location: 3p21.1.
Variant type: single nucleotide variant.
Coding change: c.765A>G on transcript NM_004656.4 (MANE Select); coding-DNA position 765, A replaced by G.
Protein change: p.Val255=; no amino-acid change (valine 255 retained).
Molecular consequence: synonymous variant.
Genome position (GRCh38, 1-based): chr3:52,406,271, T>C on the plus strand (A>G on the coding strand, the complement: BAP1 is on the minus strand). VCF-style: chr3-52406271-T-C. GRCh37 (hg19) VCF-style: chr3-52440287-T-C.
Identifiers: ClinVar variation 539932 (VCV000539932.36), dbSNP rs1222530223, ClinGen allele CA433776145.